The following is an entry in ClinVar:

NM_001001331.4(ATP2B2):c.158C>T (p.Thr53Ile)

Gene: ATP2B2 (ATPase plasma membrane Ca2+ transporting 2; minus strand). Cytogenetic location: 3p25.3.
Variant type: single nucleotide variant.
Coding change: c.158C>T on transcript NM_001001331.4 (MANE Select); coding-DNA position 158, C replaced by T.
Protein change: p.Thr53Ile; replaces threonine 53 with isoleucine.
Molecular consequence: missense variant.
Genome position (GRCh38, 1-based): chr3:10,449,386, G>A on the plus strand (C>T on the coding strand, the complement: ATP2B2 is on the minus strand). VCF-style: chr3-10449386-G-A. GRCh37 (hg19) VCF-style: chr3-10491070-G-A.
Other names: c.158C>T, p.Thr53Ile (NM_001330611.3, NM_001353564.1, NM_001363862.1 and 1 more transcripts); short protein forms T53I.
Identifiers: ClinVar variation 1722147 (VCV001722147.5), dbSNP rs893603911, ClinGen allele CA70111862.

ClinVar aggregate classification (germline): Uncertain significance (1 of 4 stars; one submission).

Allele frequency attached by ClinVar (database versions not stated): TOPMed below 0.00001.

Submission:

Labcorp Genetics (formerly Invitae), Labcorp
Classification: Uncertain significance. Last evaluated: 2022-10-25. Review status: criteria provided, single submitter. Criteria: Invitae Variant Classification Sherloc (09022015). Collection method: clinical testing. Allele origin: germline.
Comment: This sequence change replaces threonine, which is neutral and polar, with isoleucine, which is neutral and non-polar, at codon 53 of the ATP2B2 protein (p.Thr53Ile). In summary, the available evidence is currently insufficient to determine the role of this variant in disease. Therefore, it has been classified as a Variant of Uncertain Significance. Advanced modeling of protein sequence and biophysical properties (such as structural, functional, and spatial information, amino acid conservation, physicochemical variation, residue mobility, and thermodynamic stability) performed at Invitae indicates that this missense variant is not expected to disrupt ATP2B2 protein function. This variant has not been reported in the literature in individuals affected with ATP2B2-related conditions. This variant is not present in population databases (gnomAD no frequency).